The following is an entry in ClinVar:

ClinVar aggregate classification (germline): Likely benign. Review status: criteria provided, multiple submitters, no conflicts (2 of 4 stars). 3 submissions from 3 submitters: Likely benign (3). Last evaluated 2026-06-01.

Conditions:
Hereditary cancer-predisposing syndrome. Also called: Tumor predisposition; Neoplastic Syndromes, Hereditary; Hereditary Cancer Syndrome; Hereditary neoplastic syndrome. Identifiers: Orphanet 140162, MedGen C0027672, MeSH D009386, MONDO:0015356.

Submissions (3):

CeGaT Center for Human Genetics Tuebingen
Classification: Likely benign. Last evaluated: 2026-06-01. Review status: criteria provided, single submitter. Criteria: CeGaT Center For Human Genetics Tuebingen Variant Classification Criteria Version 2. Collection method: clinical testing. Allele origin: germline. Affected: yes. Observed: 1 variant allele.
Comment: RAD50: PM2:Supporting, BP4, BP7

Labcorp Genetics (formerly Invitae), Labcorp
Classification: Likely benign for Hereditary cancer-predisposing syndrome. Last evaluated: 2020-09-09. Review status: criteria provided, single submitter. Criteria: Invitae Variant Classification Sherloc (09022015). Collection method: clinical testing. Allele origin: germline.

Ambry Genetics
Classification: Likely benign for Hereditary cancer-predisposing syndrome. Last evaluated: 2015-05-21. Review status: criteria provided, single submitter. Criteria: Ambry Variant Classification Scheme 2023. Collection method: clinical testing. Allele origin: germline.

NM_005732.4(RAD50):c.1527T>C (p.Asn509=)

Gene: RAD50 (RAD50 double strand break repair protein; plus strand). Cytogenetic location: 5q31.1.
Variant type: single nucleotide variant.
Coding change: c.1527T>C on transcript NM_005732.4 (MANE Select); coding-DNA position 1527, T replaced by C.
Protein change: p.Asn509=; no amino-acid change (asparagine 509 retained).
Molecular consequence: synonymous variant.
Genome position (GRCh38, 1-based): chr5:132,591,298, T>C. VCF-style: chr5-132591298-T-C. GRCh37 (hg19) VCF-style: chr5-131926990-T-C.
Identifiers: ClinVar variation 215854 (VCV000215854.16), dbSNP rs863224408, ClinGen allele CA336969.